The following is an entry in ClinVar:

NM_005445.4(SMC3):c.385G>C (p.Gly129Arg)

Gene: SMC3 (structural maintenance of chromosomes 3; plus strand). Cytogenetic location: 10q25.2.
Variant type: single nucleotide variant.
Coding change: c.385G>C on transcript NM_005445.4 (MANE Select); coding-DNA position 385, G replaced by C.
Protein change: p.Gly129Arg; replaces glycine 129 with arginine.
Molecular consequence: missense variant.
Genome position (GRCh38, 1-based): chr10:110,578,662, G>C. VCF-style: chr10-110578662-G-C. GRCh37 (hg19) VCF-style: chr10-112338420-G-C.
Other names: short protein forms G129R.
Identifiers: ClinVar variation 3958642 (VCV003958642.2).
Genomic context (GRCh38, chr10:110,578,662, plus strand): 5'-AAAGTAATTTCATTGTTTGTCAACAGGAAAAATGATGTGATGAACCTCCTTGAAAGCGCT[G>C]GTTTTTCTCGAAGCAATCCTTATTATATTGTTAAACAAGGAAAGGTAAAACAATTGTATG-3'
Protein context (NP_005436.1, residues 119-139): NDVMNLLESA[Gly129Arg]FSRSNPYYIV

ClinVar aggregate classification (germline): Likely pathogenic (1 of 4 stars; one submission).

Conditions:
Inborn genetic diseases. Identifiers: MedGen C0950123, MeSH D030342.

Submission:

Ambry Genetics
Classification: Likely pathogenic for Inborn genetic diseases. Last evaluated: 2025-09-23. Review status: criteria provided, single submitter. Criteria: Ambry Variant Classification Scheme 2023. Collection method: clinical testing. Allele origin: germline.
Comment: The c.385G>C (p.G129R) alteration is located in exon 7 (coding exon 7) of the SMC3 gene. This alteration results from a G to C substitution at nucleotide position 385, causing the glycine (G) at amino acid position 129 to be replaced by an arginine (R). This variant was not reported in population-based cohorts in the Genome Aggregation Database (gnomAD). This amino acid position is highly conserved in available vertebrate species. This missense alteration is located in a region that has a low rate of benign missense variation (Lek, 2016; Firth, 2009). This alteration is predicted to be deleterious by in silico analysis. Based on the available evidence, this alteration is classified as likely pathogenic.